The following is an entry in ClinVar:

ClinVar aggregate classification (germline): Pathogenic/Likely pathogenic. Review status: criteria provided, multiple submitters, no conflicts (2 of 4 stars). 2 submissions from 2 submitters: Pathogenic (1); Likely pathogenic (1). Last evaluated 2024-01-19.

Conditions:
Congenital secretory diarrhea, chloride type (DIAR1). Also called: CHLORIDORRHEA, CONGENITAL; CHLORIDE DIARRHEA, CONGENITAL, FINNISH TYPE; DIARRHEA 1, SECRETORY CHLORIDE, CONGENITAL. Identifiers: Orphanet 53689, MedGen C0267662, MONDO:0008964, OMIM 214700.

Submissions (2):

Fulgent Genetics
Classification: Likely pathogenic for Congenital secretory diarrhea, chloride type. Last evaluated: 2024-01-19. Review status: criteria provided, single submitter. Criteria: ACMG Guidelines, 2015. Collection method: clinical testing. Allele origin: germline.

Labcorp Genetics (formerly Invitae), Labcorp
Classification: Pathogenic. Last evaluated: 2023-06-24. Review status: criteria provided, single submitter. Criteria: Invitae Variant Classification Sherloc (09022015). Collection method: clinical testing. Allele origin: germline.
Comment: For these reasons, this variant has been classified as Pathogenic. This variant has not been reported in the literature in individuals affected with SLC26A3-related conditions. This variant is not present in population databases (gnomAD no frequency). This sequence change creates a premature translational stop signal (p.Phe309*) in the SLC26A3 gene. It is expected to result in an absent or disrupted protein product. Loss-of-function variants in SLC26A3 are known to be pathogenic (PMID: 9718329, 21394828).

Literature cited by the submitters: PubMed 9718329 (cited by Labcorp Genetics (formerly Invitae), Labcorp); PubMed 21394828 (cited by Labcorp Genetics (formerly Invitae), Labcorp).

NM_000111.3(SLC26A3):c.926_927del (p.Asp308_Phe309insTer)

Gene: SLC26A3 (solute carrier family 26 member 3; minus strand). Cytogenetic location: 7q22.3.
Variant type: Deletion.
Coding change: c.926_927del on transcript NM_000111.3 (MANE Select); coding-DNA positions 926 to 927, 2 bases deleted (TT; older notation c.926_927delTT).
Protein change: p.Asp308_Phe309insTer.
Molecular consequence: nonsense.
Genome position (GRCh38, 1-based): chr7:107,786,871-107,786,872, AA deleted on the plus strand (TT on the coding strand, the reverse complement: SLC26A3 is on the minus strand); deleting any 2 consecutive bases within chr7:107,786,871-107,786,873 gives the same sequence; the c. name uses the placement nearest the transcript's 3' end. VCF-style (leftmost placement, unchanged base first): chr7-107786870-TAA-T. GRCh37 (hg19) VCF-style: chr7-107427315-TAA-T.
Identifiers: ClinVar variation 2884959 (VCV002884959.4), dbSNP rs1794304689, ClinGen allele CA1732793254.